The following is an entry in ClinVar:

NM_001256317.3(TMPRSS3):c.620G>A (p.Cys207Tyr)

Gene: TMPRSS3 (transmembrane serine protease 3; minus strand). Cytogenetic location: 21q22.3.
Variant type: single nucleotide variant.
Coding change: c.620G>A on transcript NM_001256317.3 (MANE Select); coding-DNA position 620, G replaced by A.
Protein change: p.Cys207Tyr; replaces cysteine 207 with tyrosine.
Molecular consequence: missense variant.
Genome position (GRCh38, 1-based): chr21:42,383,195, C>T on the plus strand (G>A on the coding strand, the complement: TMPRSS3 is on the minus strand). VCF-style: chr21-42383195-C-T. GRCh37 (hg19) VCF-style: chr21-43803304-C-T.
Other names: c.620G>A, p.Cys207Tyr (NM_024022.4, NM_032405.2); c.239G>A, p.Cys80Tyr (NM_032404.3); short protein forms C207Y, C80Y.
Identifiers: ClinVar variation 2499995 (VCV002499995.1), dbSNP rs2517116784, ClinGen allele CA410374076.

ClinVar aggregate classification (germline): Uncertain significance (1 of 4 stars; one submission).

Conditions:
Autosomal recessive nonsyndromic hearing loss 8 (DFNB8). Also called: Deafness, autosomal recessive 10; NEUROSENSORY NONSYNDROMIC RECESSIVE DEAFNESS 8. Identifiers: Orphanet 90636, MedGen C1832827, MONDO:0010987, OMIM 601072.

Allele frequency attached by ClinVar (database versions not stated): gnomAD exomes below 0.00001.
gnomAD v4.1: 1 of 1,611,648 alleles (0.000062%); highest among the groups gnomAD compares: Non-Finnish European, 0.000085%; no homozygotes.

Submission:

Department of Human Genetics, Hannover Medical School
Classification: Uncertain significance for Autosomal recessive nonsyndromic hearing loss 8. Last evaluated: 2023-04-27. Review status: criteria provided, single submitter. Criteria: ACMG Guidelines, 2015. Collection method: clinical testing. Allele origin: germline. Affected: yes.
Comment: This missense variant is not yet known in the ClinVar, LOVD and Deafness Variation Database. The variant is also not listed in the population database gnomAD. An in silico analysis of this variation using the program REVEL showed no clear result. Literature data are currently not available. A final evaluation of this variant in the TMPRSS3 gene is not possible at present on the basis of the available data.